The following is an entry in ClinVar:

ClinVar aggregate classification (germline): Likely pathogenic (1 of 4 stars; one submission).

Submission:

Labcorp Genetics (formerly Invitae), Labcorp
Classification: Likely pathogenic. Last evaluated: 2025-02-03. Review status: criteria provided, single submitter. Criteria: Invitae Variant Classification Sherloc (09022015). Collection method: clinical testing. Allele origin: germline.
Comment: This sequence change replaces leucine, which is neutral and non-polar, with phenylalanine, which is neutral and non-polar, at codon 9 of the ABCA4 protein (p.Leu9Phe). This variant is not present in population databases (gnomAD no frequency). This missense change has been observed in individual(s) with ABCA4-related conditions (internal data). ClinVar contains an entry for this variant (Variation ID: 2129982). Invitae Evidence Modeling of protein sequence and biophysical properties (such as structural, functional, and spatial information, amino acid conservation, physicochemical variation, residue mobility, and thermodynamic stability) indicates that this missense variant is expected to disrupt ABCA4 protein function with a positive predictive value of 95%. In summary, the currently available evidence indicates that the variant is pathogenic, but additional data are needed to prove that conclusively. Therefore, this variant has been classified as Likely Pathogenic.

NM_000350.3(ABCA4):c.25C>T (p.Leu9Phe)

Gene: ABCA4 (ATP binding cassette subfamily A member 4; minus strand). Cytogenetic location: 1p22.1.
Variant type: single nucleotide variant.
Coding change: c.25C>T on transcript NM_000350.3 (MANE Select); coding-DNA position 25, C replaced by T.
Protein change: p.Leu9Phe; replaces leucine 9 with phenylalanine.
Molecular consequence: missense variant.
Genome position (GRCh38, 1-based): chr1:94,121,021, G>A on the plus strand (C>T on the coding strand, the complement: ABCA4 is on the minus strand). VCF-style: chr1-94121021-G-A. GRCh37 (hg19) VCF-style: chr1-94586577-G-A.
Other names: c.25C>T, p.Leu9Phe (NM_001425324.1); short protein forms L9F.
Identifiers: ClinVar variation 2129982 (VCV002129982.4), dbSNP rs2524048090, ClinGen allele CA341288849.
Genomic context (GRCh38, chr1:94,121,021, plus strand): 5'-CACAGACAGTAACTGTTACCTTTTGCCTTTTCCGCAGGGTCCAGTTCTTCCAGAGCAAAA[G>A]CTGTATCTGTCTCACGAAGCCCATGCTAATGACCACACGAAGACCAGATTGGTCAGAGCT-3'
Protein context (NP_000341.2, residues 1-19): MGFVRQIQ[Leu9Phe]LLWKNWTLRK